The following is an entry in ClinVar:

ClinVar aggregate classification (germline): Benign (1 of 4 stars; one submission).

Allele frequency attached by ClinVar (database versions not stated): gnomAD 0.44827 and 0.44837; TOPMed 0.45201; 1000 Genomes Project 0.52596; 1000 Genomes Project 30x 0.53076.
gnomAD v4.1: 67,930 of 152,022 alleles (45%); highest among the groups gnomAD compares: African/African-American, 70%; 17,316 homozygotes.

Submission:

GeneDx
Classification: Benign. Last evaluated: 2018-06-19. Review status: criteria provided, single submitter. Criteria: GeneDx Variant Classification (06012015). Collection method: clinical testing. Allele origin: germline. Affected: yes.
Comment: This variant is considered likely benign or benign based on one or more of the following criteria: it is a conservative change, it occurs at a poorly conserved position in the protein, it is predicted to be benign by multiple in silico algorithms, and/or has population frequency not consistent with disease.

NM_005045.4(RELN):c.9605+310T>C

Genes: SLC26A5-AS1 (SLC26A5 antisense RNA 1; plus strand), RELN (reelin; minus strand), LOC126860130 (BRD4-independent group 4 enhancer GRCh37_chr7:103130126-103131325; plus strand). Cytogenetic location: 7q22.1.
Variant type: single nucleotide variant.
Coding change: c.9605+310T>C on transcript NM_005045.4 (MANE Select); 310 bases into the intron after coding-DNA position 9605, T replaced by C.
Molecular consequence: intron variant.
Genome position (GRCh38, 1-based): chr7:103,490,358, A>G on the plus strand (T>C on the coding strand, the complement: RELN is on the minus strand). VCF-style: chr7-103490358-A-G. GRCh37 (hg19) VCF-style: chr7-103130805-A-G.
Other names: c.9605+310T>C (NM_173054.3).
Identifiers: ClinVar variation 668966 (VCV000668966.1), dbSNP rs2041006, ClinGen allele CA12517172.